The following is an entry in ClinVar:

ClinVar aggregate classification (germline): Conflicting classifications of pathogenicity. Review status: criteria provided, conflicting classifications (1 of 4 stars). 3 submissions from 3 submitters: Uncertain significance (2); Likely benign (1). Last evaluated 2023-11-09.

Allele frequency attached by ClinVar (database versions not stated): TOPMed 0.00001; gnomAD 0.00002 and 0.00004; gnomAD exomes 0.00005 and 0.00010; ExAC 0.00012.
gnomAD v4.1: 83 of 1,614,026 alleles (0.0051%); highest among the groups gnomAD compares: South Asian, 0.06%; 2 homozygotes.

Submissions (3):

Ambry Genetics
Classification: Uncertain significance. Last evaluated: 2023-11-09. Review status: criteria provided, single submitter. Criteria: Ambry Variant Classification Scheme 2023. Collection method: clinical testing. Allele origin: germline.

Labcorp Genetics (formerly Invitae), Labcorp
Classification: Uncertain significance. Last evaluated: 2023-05-24. Review status: criteria provided, single submitter. Criteria: Invitae Variant Classification Sherloc (09022015). Collection method: clinical testing. Allele origin: germline.
Comment: In summary, the available evidence is currently insufficient to determine the role of this variant in disease. Therefore, it has been classified as a Variant of Uncertain Significance. Advanced modeling of protein sequence and biophysical properties (such as structural, functional, and spatial information, amino acid conservation, physicochemical variation, residue mobility, and thermodynamic stability) performed at Invitae indicates that this missense variant is not expected to disrupt PITPNM3 protein function. ClinVar contains an entry for this variant (Variation ID: 1493949). This variant has not been reported in the literature in individuals affected with PITPNM3-related conditions. This variant is present in population databases (rs765391358, gnomAD 0.07%), and has an allele count higher than expected for a pathogenic variant. This sequence change replaces leucine, which is neutral and non-polar, with methionine, which is neutral and non-polar, at codon 132 of the PITPNM3 protein (p.Leu132Met).

Blueprint Genetics
Classification: Likely benign. Last evaluated: 2022-07-22. Review status: criteria provided, single submitter. Criteria: ACMG Guidelines, 2015. Collection method: clinical testing. Allele origin: germline.

NM_031220.4(PITPNM3):c.394C>A (p.Leu132Met)

Gene: PITPNM3 (PITPNM family member 3; minus strand). Cytogenetic location: 17p13.2.
Variant type: single nucleotide variant.
Coding change: c.394C>A on transcript NM_031220.4 (MANE Select); coding-DNA position 394, C replaced by A.
Protein change: p.Leu132Met; replaces leucine 132 with methionine.
Molecular consequence: missense variant.
Genome position (GRCh38, 1-based): chr17:6,483,710, G>T on the plus strand (C>A on the coding strand, the complement: PITPNM3 is on the minus strand). VCF-style: chr17-6483710-G-T. GRCh37 (hg19) VCF-style: chr17-6387030-G-T.
Other names: c.394C>A (NM_031220.3); c.286C>A, p.Leu96Met (NM_001165966.2); short protein forms L96M, L132M.
Identifiers: ClinVar variation 1493949 (VCV001493949.8), dbSNP rs765391358, ClinGen allele CA8329834.